The following is an entry in ClinVar:

NM_000051.4(ATM):c.7085A>G (p.Glu2362Gly)

Genes: ATM (ATM serine/threonine kinase; plus strand), C11orf65 (chromosome 11 open reading frame 65; minus strand). Cytogenetic location: 11q22.3.
Variant type: single nucleotide variant.
Coding change: c.7085A>G on transcript NM_000051.4 (MANE Select); coding-DNA position 7085, A replaced by G.
Protein change: p.Glu2362Gly; replaces glutamic acid 2362 with glycine.
Molecular consequence: missense variant. On other transcripts: intron variant (2).
Genome position (GRCh38, 1-based): chr11:108,327,754, A>G. VCF-style: chr11-108327754-A-G. GRCh37 (hg19) VCF-style: chr11-108198481-A-G.
Other names: c.7085A>G, p.Glu2362Gly (NM_001351834.2); c.641-18683T>C (NM_001330368.2); c.*38+7466T>C (NM_001351110.2); short protein forms E2362G.
Identifiers: ClinVar variation 1516941 (VCV001516941.8), dbSNP rs1479883295, ClinGen allele CA382559197.
Genomic context (GRCh38, chr11:108,327,754, plus strand): 5'-GCAACTGGTTAGCAGAAACGTGCTTAGAAAATCCTGCGGTCATCATGCAGACCTATCTAG[A>G]AAAGGTAAGATTTTTGGAGCAACCCTTAAGATAGTTACTTAGCATGAATATGCTTCATCT-3'
Protein context (NP_000042.3, residues 2352-2372): NPAVIMQTYL[Glu2362Gly]KAVEVAGNYD

ClinVar aggregate classification (germline): Uncertain significance. Review status: criteria provided, multiple submitters, no conflicts (2 of 4 stars). 2 submissions from 2 submitters: Uncertain significance (2). Last evaluated 2023-06-13.

Conditions:
Hereditary cancer-predisposing syndrome. Also called: Neoplastic Syndromes, Hereditary; Tumor predisposition; Hereditary Cancer Syndrome; Hereditary neoplastic syndrome. Identifiers: Orphanet 140162, MedGen C0027672, MeSH D009386, MONDO:0015356.
Ataxia-telangiectasia syndrome (AT). Also called: LOUIS-BAR SYNDROME; Cerebello-oculocutaneous telangiectasia; Immunodeficiency with ataxia telangiectasia; Ataxia telangiectasia (A-T); Ataxia-telangiectasia, complementation group D; AT, COMPLEMENTATION GROUP C. Identifiers: Orphanet 100, MedGen C0004135, MONDO:0008840, OMIM 208900.

Submissions (2):

Color Diagnostics, LLC DBA Color Health
Classification: Uncertain significance for Hereditary cancer-predisposing syndrome. Last evaluated: 2023-06-13. Review status: criteria provided, single submitter. Criteria: ACMG Guidelines, 2015. Collection method: clinical testing. Allele origin: germline.
Comment: This missense variant replaces glutamic acid with glycine at codon 2362 of the ATM protein. Computational prediction is inconclusive regarding the impact of this variant on protein structure and function (internally defined REVEL score threshold 0.5 < inconclusive < 0.7, PMID: 27666373). To our knowledge, functional studies have not been reported for this variant. This variant has not been reported in individuals affected with ATM-related disorders in the literature. This variant has not been identified in the general population by the Genome Aggregation Database (gnomAD). The available evidence is insufficient to determine the role of this variant in disease conclusively. Therefore, this variant is classified as a Variant of Uncertain Significance.

Labcorp Genetics (formerly Invitae), Labcorp
Classification: Uncertain significance for Ataxia-telangiectasia syndrome. Last evaluated: 2021-01-15. Review status: criteria provided, single submitter. Criteria: Invitae Variant Classification Sherloc (09022015). Collection method: clinical testing. Allele origin: germline.
Comment: This sequence change replaces glutamic acid with glycine at codon 2362 of the ATM protein (p.Glu2362Gly). The glutamic acid residue is highly conserved and there is a moderate physicochemical difference between glutamic acid and glycine. This variant is not present in population databases (ExAC no frequency). This variant has not been reported in the literature in individuals with ATM-related conditions. Advanced modeling of protein sequence and biophysical properties (such as structural, functional, and spatial information, amino acid conservation, physicochemical variation, residue mobility, and thermodynamic stability) performed at Invitae indicates that this missense variant is not expected to disrupt ATM protein function. In summary, the available evidence is currently insufficient to determine the role of this variant in disease. Therefore, it has been classified as a Variant of Uncertain Significance.